The following is an entry in ClinVar:

ClinVar aggregate classification (germline): Uncertain significance (1 of 4 stars; one submission).

Conditions:
Male infertility. Identifiers: MedGen C0021364, MeSH D007248, MONDO:0005372, HP:0003251.

gnomAD v4.1: 109 of 1,613,722 alleles (0.0068%); highest among the groups gnomAD compares: Non-Finnish European, 0.0088%; no homozygotes.

Submission:

Institute of Reproductive Genetics, University of Münster
Classification: Uncertain significance for Male infertility. Last evaluated: 2025-12-03. Review status: criteria provided, single submitter. Criteria: Uk Practice Guidelines For Variant Classification V4 01 2020. Collection method: research. Allele origin: germline. Affected: yes. Observed: 1 variant allele.
Comment: The NM_001010870.3:c.1268T>G, is a missense variant in TDRD6 which results in the substitution of a leucine at position 423 by arginine. This variant is rare in gnomAD (PM2_sup); version 4.1.1 and multiple lines of computational evidence support a deleterious effect on gene product (PP3). Functional analysis demonstrated dysfunction of TDRD6 in the proband’s testicular tissue (PS3_sup). In summary, this variant meets criteria to be classified as variant of uncertain significance for male infertility based on the ACMG/ criteria applied, as specified by the UK Best Practice Guidelines for variant classification (PM3, PM2_sup, PP3, PS3_sup).

NM_001010870.3(TDRD6):c.1268T>G (p.Leu423Arg)

Gene: TDRD6 (tudor domain containing 6; plus strand). Cytogenetic location: 6p12.3.
Variant type: single nucleotide variant.
Coding change: c.1268T>G on transcript NM_001010870.3 (MANE Select); coding-DNA position 1268, T replaced by G.
Protein change: p.Leu423Arg; replaces leucine 423 with arginine.
Molecular consequence: missense variant.
Genome position (GRCh38, 1-based): chr6:46,689,396, T>G. VCF-style: chr6-46689396-T-G. GRCh37 (hg19) VCF-style: chr6-46657133-T-G.
Other names: c.1268T>G, p.Leu423Arg (NM_001168359.2); short protein forms L423R.
Identifiers: ClinVar variation 4533386 (VCV004533386.1).